The following is an entry in ClinVar:

ClinVar aggregate classification (germline): Uncertain significance. Review status: criteria provided, multiple submitters, no conflicts (2 of 4 stars). 2 submissions from 2 submitters: Uncertain significance (2). Last evaluated 2026-04-14.

Conditions:
Familial intrahepatic cholestasis. Identifiers: Orphanet 284385, MedGen CN296401, MONDO:0017290.

Allele frequency attached by ClinVar (database versions not stated): gnomAD exomes below 0.00001.
gnomAD v4.1: 1 of 1,612,896 alleles (0.000062%); highest among the groups gnomAD compares: Non-Finnish European, 0.000085%; no homozygotes.

Submissions (2):

Genomenon, Inc
Classification: Uncertain significance for Familial intrahepatic cholestasis. Last evaluated: 2026-04-14. Review status: criteria provided, single submitter. Criteria: Genomenon Sequence Variant Interpretation Standards - Updated. Collection method: curation. Allele origin: germline. Affected: yes.
Comment: ATP8B1 p.Leu250His (c.749T>A) is a missense variant that changes the amino acid at residue 250 from Leucine to Histidine. This variant has been observed in at least one proband with features of ATP8B1-deficiency (PMID:35588916;33666275). The variant was found to segregate with disease in at least one affected family (PMID:35588916). It is absent or not present at a significant frequency in gnomAD. In conclusion, we classify ATP8B1 p.Leu250His (c.749T>A) as a variant of uncertain significance.

Labcorp Genetics (formerly Invitae), Labcorp
Classification: Uncertain significance. Last evaluated: 2023-10-22. Review status: criteria provided, single submitter. Criteria: Invitae Variant Classification Sherloc (09022015). Collection method: clinical testing. Allele origin: germline.
Comment: This sequence change replaces leucine, which is neutral and non-polar, with histidine, which is basic and polar, at codon 250 of the ATP8B1 protein (p.Leu250His). This variant is not present in population databases (gnomAD no frequency). This missense change has been observed in individual(s) with cholestasis type 1 (PMID: 33666275). Advanced modeling of protein sequence and biophysical properties (such as structural, functional, and spatial information, amino acid conservation, physicochemical variation, residue mobility, and thermodynamic stability) performed at Invitae indicates that this missense variant is expected to disrupt ATP8B1 protein function with a positive predictive value of 80%. In summary, the available evidence is currently insufficient to determine the role of this variant in disease. Therefore, it has been classified as a Variant of Uncertain Significance.

Literature cited by the submitters: PubMed 35588916 (cited by Genomenon, Inc); PubMed 33666275 (cited by Genomenon, Inc and Labcorp Genetics (formerly Invitae), Labcorp).

NM_001374385.1(ATP8B1):c.749T>A (p.Leu250His)

Gene: ATP8B1 (ATPase phospholipid transporting 8B1; minus strand). Cytogenetic location: 18q21.31.
Variant type: single nucleotide variant.
Coding change: c.749T>A on transcript NM_001374385.1 (MANE Select); coding-DNA position 749, T replaced by A.
Protein change: p.Leu250His; replaces leucine 250 with histidine.
Molecular consequence: missense variant.
Genome position (GRCh38, 1-based): chr18:57,695,482, A>T on the plus strand (T>A on the coding strand, the complement: ATP8B1 is on the minus strand). VCF-style: chr18-57695482-A-T. GRCh37 (hg19) VCF-style: chr18-55362714-A-T.
Other names: c.599T>A, p.Leu200His (NM_001374386.1); c.749T>A, p.Leu250His (NM_005603.6); short protein forms L250H, L200H.
Identifiers: ClinVar variation 2974514 (VCV002974514.4), dbSNP rs2511771137, ClinGen allele CA402542832.